The following is an entry in ClinVar:

NM_030962.4(SBF2):c.1509A>G (p.Glu503=)

Gene: SBF2 (SET binding factor 2; minus strand). Cytogenetic location: 11p15.4.
Variant type: single nucleotide variant.
Coding change: c.1509A>G on transcript NM_030962.4 (MANE Select); coding-DNA position 1509, A replaced by G.
Protein change: p.Glu503=; no amino-acid change (glutamic acid 503 retained).
Molecular consequence: synonymous variant.
Genome position (GRCh38, 1-based): chr11:9,968,432, T>C on the plus strand (A>G on the coding strand, the complement: SBF2 is on the minus strand). VCF-style: chr11-9968432-T-C. GRCh37 (hg19) VCF-style: chr11-9989979-T-C.
Other names: p.Glu503=; c.1509A>G, p.Glu503= (NM_001386339.1); c.1380A>G, p.Glu460= (NM_001386342.1).
Identifiers: ClinVar variation 306607 (VCV000306607.64), dbSNP rs143773975, ClinGen allele CA5881811.
Genomic context (GRCh38, chr11:9,968,432, plus strand): 5'-CTTTTCTATTCGTGTGGCAGGAGGTGCATTCTGGTTCTTAGCAACATTTTCCTGTATTAA[T>C]TCCTGAACCCGGGCTTCATTAATCTCTGGGAAAGGAAGAATATGAACTCGCAAATGGGAT-3'
Protein context (NP_112224.1, residues 493-513): FPEINEARVQ[Glu503=]LIQENVAKNQ

ClinVar aggregate classification (germline): Conflicting classifications of pathogenicity. Review status: criteria provided, conflicting classifications (1 of 4 stars). 10 submissions from 10 submitters: Uncertain significance (1); Benign (1); Likely benign (7). 1 of the submissions does not count toward it. Last evaluated 2026-01-14.

Conditions:
Charcot-Marie-Tooth disease type 4B2. Also called: CHARCOT-MARIE-TOOTH DISEASE, DEMYELINATING, TYPE 4B2; CHARCOT-MARIE-TOOTH DISEASE, WITH FOCALLY FOLDED MYELIN SHEATHS, AUTOSOMAL RECESSIVE, TYPE 4B2; Charcot-Marie-Tooth Neuropathy Type 4B2; CMT 4B2. Identifiers: Orphanet 99956, MedGen C1858278, MONDO:0011475, OMIM 604563.
Charcot-Marie-Tooth disease. Also called: Charcot-Marie-Tooth Neuropathy; Charcot-Marie-Tooth Hereditary Neuropathy. Identifiers: Orphanet 166, MedGen C0007959, MONDO:0015626.
Charcot-Marie-Tooth disease type 4. Also called: Charcot-Marie-Tooth disease, type IV; Charcot-Marie-Tooth, Type 4. Identifiers: Orphanet 64749, MedGen C4082197, MONDO:0018995.
SBF2-related disorder. Also called: SBF2-related condition.
Inborn genetic diseases. Identifiers: MedGen C0950123, MeSH D030342.

Allele frequency attached by ClinVar (database versions not stated): 1000 Genomes Project 0.00020; gnomAD exomes 0.00023 and 0.00035; ExAC 0.00026; gnomAD 0.00030; 1000 Genomes Project 30x 0.00031; TOPMed 0.00034; ESP Exome Variant Server 0.00054.
gnomAD v4.1: 556 of 1,614,146 alleles (0.034%); highest among the groups gnomAD compares: Non-Finnish European, 0.044%; no homozygotes.

Submissions (10):

Labcorp Genetics (formerly Invitae), Labcorp
Classification: Likely benign for Charcot-Marie-Tooth disease type 4. Last evaluated: 2026-01-14. Review status: criteria provided, single submitter. Criteria: Invitae Variant Classification Sherloc (09022015). Collection method: clinical testing. Allele origin: germline.

CeGaT Center for Human Genetics Tuebingen
Classification: Likely benign. Last evaluated: 2025-11-01. Review status: criteria provided, single submitter. Criteria: CeGaT Center For Human Genetics Tuebingen Variant Classification Criteria Version 2. Collection method: clinical testing. Allele origin: germline. Affected: yes. Observed: 2 variant alleles.
Comment: SBF2: BP4, BP7

Mayo Clinic Laboratories, Mayo Clinic
Classification: Likely benign. Last evaluated: 2025-05-20. Review status: criteria provided, single submitter. Criteria: ACMG Guidelines, 2015. Collection method: clinical testing. Allele origin: germline. Observed: 2 variant alleles.
Comment: BP4, BP7

Blueprint Genetics
Classification: Likely benign. Last evaluated: 2024-11-01. Review status: criteria provided, single submitter. Criteria: ACMG Guidelines, 2015. Collection method: clinical testing. Allele origin: germline.

Athena Diagnostics
Classification: Benign. Last evaluated: 2024-04-30. Review status: criteria provided, single submitter. Criteria: Athena Diagnostics Criteria. Collection method: clinical testing. Allele origin: unknown.

Ambry Genetics
Classification: Likely benign for Inborn genetic diseases. Last evaluated: 2019-07-11. Review status: criteria provided, single submitter. Criteria: Ambry Variant Classification Scheme 2023. Collection method: clinical testing. Allele origin: germline.

GeneDx
Classification: Likely benign. Last evaluated: 2018-02-02. Review status: criteria provided, single submitter. Criteria: GeneDx Variant Classification (06012015). Collection method: clinical testing. Allele origin: germline. Affected: yes.
Comment: This variant is considered likely benign or benign based on one or more of the following criteria: it is a conservative change, it occurs at a poorly conserved position in the protein, it is predicted to be benign by multiple in silico algorithms, and/or has population frequency not consistent with disease.

Illumina Laboratory Services, Illumina
Classification: Uncertain significance for Charcot-Marie-Tooth disease type 4B2. Last evaluated: 2018-01-12. Review status: criteria provided, single submitter. Criteria: ICSL Variant Classification Criteria 13 December 2019. Collection method: clinical testing. Allele origin: germline.

Molecular Genetics Laboratory, London Health Sciences Centre
Classification: Likely benign for Charcot-Marie-Tooth disease. Review status: criteria provided, single submitter. Criteria: ACMG Guidelines, 2015. Collection method: clinical testing. Allele origin: germline. Affected: yes.

PreventionGenetics, part of Exact Sciences
Classification: Likely benign for SBF2-related condition. Last evaluated: 2022-07-06. Review status: no assertion criteria provided. Collection method: clinical testing. Allele origin: germline. Not counted in ClinVar's aggregate classification.
Comment: This variant is classified as likely benign based on ACMG/AMP sequence variant interpretation guidelines (Richards et al. 2015 PMID: 25741868, with internal and published modifications).